The following is an entry in ClinVar:

ClinVar aggregate classification (germline): Uncertain significance. Review status: criteria provided, multiple submitters, no conflicts (2 of 4 stars). 3 submissions from 3 submitters: Uncertain significance (3). Last evaluated 2024-03-31.

Conditions:
Inborn genetic diseases. Identifiers: MedGen C0950123, MeSH D030342.
Frontotemporal dementia and/or amyotrophic lateral sclerosis 8. Identifiers: MedGen C5436881, MONDO:0030872, OMIM 619132.

Allele frequency attached by ClinVar (database versions not stated): gnomAD 0.00002; TOPMed 0.00002; ExAC 0.00003; gnomAD exomes 0.00005.
gnomAD v4.1: 71 of 1,610,800 alleles (0.0044%); highest among the groups gnomAD compares: Non-Finnish European, 0.0054%; no homozygotes.

Submissions (3):

Ambry Genetics
Classification: Uncertain significance for Inborn genetic diseases. Last evaluated: 2024-03-31. Review status: criteria provided, single submitter. Criteria: Ambry Variant Classification Scheme 2023. Collection method: clinical testing. Allele origin: germline.

Baylor Genetics
Classification: Uncertain significance for Frontotemporal dementia and/or amyotrophic lateral sclerosis 8. Last evaluated: 2024-02-16. Review status: criteria provided, single submitter. Criteria: ACMG Guidelines, 2015. Collection method: clinical testing. Allele origin: unknown.

GeneDx
Classification: Uncertain significance. Last evaluated: 2022-07-27. Review status: criteria provided, single submitter. Criteria: GeneDx Variant Classification Process June 2021. Collection method: clinical testing. Allele origin: germline. Affected: yes.
Comment: In silico analysis supports that this missense variant does not alter protein structure/function; Has not been previously published as pathogenic or benign to our knowledge

NM_001378743.1(CYLD):c.932C>T (p.Thr311Met)

Gene: CYLD (CYLD lysine 63 deubiquitinase; plus strand). Cytogenetic location: 16q12.1.
Variant type: single nucleotide variant.
Coding change: c.932C>T on transcript NM_001378743.1 (MANE Select); coding-DNA position 932, C replaced by T.
Protein change: p.Thr311Met; replaces threonine 311 with methionine.
Molecular consequence: missense variant. On other transcripts: non-coding transcript variant (1).
Genome position (GRCh38, 1-based): chr16:50,776,188, C>T. VCF-style: chr16-50776188-C-T. GRCh37 (hg19) VCF-style: chr16-50810099-C-T.
Other names: c.923C>T, p.Thr308Met (NM_001042355.2, NM_001042412.3, NM_001378744.1 and 9 more transcripts); c.257C>T, p.Thr86Met (NM_001378754.1, NM_001378755.1); c.932C>T, p.Thr311Met (NM_015247.3); short protein forms T308M, T311M, T86M.
Identifiers: ClinVar variation 2413065 (VCV002413065.5), dbSNP rs200271412, ClinGen allele CA8052307.